The following is an entry in ClinVar:

ClinVar aggregate classification (germline): Likely pathogenic (1 of 4 stars; one submission).

Conditions:
Charlevoix-Saguenay spastic ataxia (SACS). Also called: AUTOSOMAL RECESSIVE SPASTIC ATAXIA OF CHARLEVOIX-SAGUENAY; Spastic ataxia of Charlevoix-Saguenay; SPASTIC ATAXIA 6, AUTOSOMAL RECESSIVE. Identifiers: Orphanet 98, MedGen C1849140, MONDO:0010041, OMIM 270550.

Submission:

PROSPAX: an integrated multimodal progression  chart in spastic ataxias, Center for Neurology; Hertie-Institute for Clinical Brain Research
Classification: Likely pathogenic for Charlevoix-Saguenay spastic ataxia. Last evaluated: 2022-01-01. Review status: criteria provided, single submitter. Criteria: ACMG Guidelines, 2015. Collection method: research. Allele origin: germline. Affected: yes.
Comment: Variant seen in compound het: [c.4760A>G;c.2971T>C]

NM_014363.6(SACS):c.2971T>C (p.Cys991Arg)

Gene: SACS (sacsin molecular chaperone; minus strand). Cytogenetic location: 13q12.12.
Variant type: single nucleotide variant.
Coding change: c.2971T>C on transcript NM_014363.6 (MANE Select); coding-DNA position 2971, T replaced by C.
Protein change: p.Cys991Arg; replaces cysteine 991 with arginine.
Molecular consequence: missense variant.
Genome position (GRCh38, 1-based): chr13:23,340,905, A>G on the plus strand (T>C on the coding strand, the complement: SACS is on the minus strand). VCF-style: chr13-23340905-A-G. GRCh37 (hg19) VCF-style: chr13-23915044-A-G.
Other names: c.2530T>C, p.Cys844Arg (NM_001278055.2); short protein forms C844R, C991R.
Identifiers: ClinVar variation 3242500 (VCV003242500.1).
Genomic context (GRCh38, chr13:23,340,905, plus strand): 5'-GTGTTACCTCTTCATGTGAATAAAATGCATTTTCAATATCTTTTAAAACAAGCTTTAAGC[A>G]GCTAGTGGTCTTTAACTGTTCTATTTTCAACATGTTTGCCAGACGAATAGTAGCTTCATC-3'
Protein context (NP_055178.3, residues 981-1001): LKIEQLKTTS[Cys991Arg]LKLVLKDIEN